The following is an entry in ClinVar:

NM_000051.4(ATM):c.4703A>G (p.His1568Arg)

Gene: ATM (ATM serine/threonine kinase; plus strand). Cytogenetic location: 11q22.3.
Variant type: single nucleotide variant.
Coding change: c.4703A>G on transcript NM_000051.4 (MANE Select); coding-DNA position 4703, A replaced by G.
Protein change: p.His1568Arg; replaces histidine 1568 with arginine.
Molecular consequence: missense variant.
Genome position (GRCh38, 1-based): chr11:108,293,404, A>G. VCF-style: chr11-108293404-A-G. GRCh37 (hg19) VCF-style: chr11-108164131-A-G.
Other names: c.4703A>G, p.His1568Arg (NM_001351834.2); short protein forms H1568R.
Identifiers: ClinVar variation 142472 (VCV000142472.29), dbSNP rs368830730, ClinGen allele CA168443.

ClinVar aggregate classification (germline): Conflicting classifications of pathogenicity. Review status: criteria provided, conflicting classifications (1 of 4 stars). 12 submissions from 12 submitters: Uncertain significance (7); Likely benign (3). 2 of the submissions do not count toward it. Last evaluated 2026-01-26.

Conditions:
ATM-related cancer predisposition. Also called: ATM-related cancer susceptibility. Identifiers: MedGen CN377759, MONDO:0700270.
Hereditary cancer-predisposing syndrome. Also called: Neoplastic Syndromes, Hereditary; Hereditary Cancer Syndrome; Tumor predisposition; Hereditary neoplastic syndrome. Identifiers: Orphanet 140162, MedGen C0027672, MeSH D009386, MONDO:0015356.
Breast and/or ovarian cancer. Identifiers: MedGen CN221562.
Ataxia-telangiectasia syndrome (AT). Also called: Cerebello-oculocutaneous telangiectasia; Immunodeficiency with ataxia telangiectasia; LOUIS-BAR SYNDROME; Ataxia-telangiectasia, complementation group D; AT, COMPLEMENTATION GROUP C; ATAXIA-TELANGIECTASIA, COMPLEMENTATION GROUP A. Identifiers: Orphanet 100, MedGen C0004135, MONDO:0008840, OMIM 208900.
Malignant tumor of breast. Also called: Malignant breast neoplasm; Cancer breast. Identifiers: MedGen C0006142, MONDO:0007254. Disease mechanism: loss of function.

Allele frequency attached by ClinVar (database versions not stated): gnomAD 0.00001; gnomAD exomes 0.00002 and 0.00004; TOPMed 0.00004; ExAC 0.00006; ESP Exome Variant Server 0.00008.
gnomAD v4.1: 34 of 1,611,362 alleles (0.0021%); highest among the groups gnomAD compares: Non-Finnish European, 0.0025%; no homozygotes.

Submissions (12):

Labcorp Genetics (formerly Invitae), Labcorp
Classification: Uncertain significance for Ataxia-telangiectasia syndrome. Last evaluated: 2026-01-26. Review status: criteria provided, single submitter. Criteria: Invitae Variant Classification Sherloc (09022015). Collection method: clinical testing. Allele origin: germline.
Comment: This sequence change replaces histidine, which is basic and polar, with arginine, which is basic and polar, at codon 1568 of the ATM protein (p.His1568Arg). This variant is present in population databases (rs368830730, gnomAD 0.009%). This missense change has been observed in individual(s) with clinical features of ATM-related conditions (PMID: 30995915, 31159747, 32957588). ClinVar contains an entry for this variant (Variation ID: 142472). Invitae Evidence Modeling of protein sequence and biophysical properties (such as structural, functional, and spatial information, amino acid conservation, physicochemical variation, residue mobility, and thermodynamic stability) indicates that this missense variant is not expected to disrupt ATM protein function with a negative predictive value of 95%. In summary, the available evidence is currently insufficient to determine the role of this variant in disease. Therefore, it has been classified as a Variant of Uncertain Significance.

Dasa
Classification: Uncertain significance for ATM-related cancer predisposition. Last evaluated: 2025-09-01. Review status: criteria provided, single submitter. Criteria: DASA Assertion Criteria. Collection method: clinical testing. Allele origin: germline.
Comment: NM_000051.4(ATM):c.4703A>G (p.His1568Arg) is a missense variant that results in the substitution of histidine with arginine. This variant is rare in population databases. Computational prediction algorithms are consistent with a benign effect. The currently available literature and clinical evidence are not sufficient to establish a definitive association between this variant and the reported condition. Therefore, this variant is classified as a variant of uncertain significance.

Quest Diagnostics Nichols Institute San Juan Capistrano
Classification: Uncertain significance. Last evaluated: 2025-04-15. Review status: criteria provided, single submitter. Criteria: Quest Diagnostics criteria. Collection method: clinical testing. Allele origin: unknown.

Blueprint Genetics
Classification: Likely benign. Last evaluated: 2024-11-11. Review status: criteria provided, single submitter. Criteria: ACMG Guidelines, 2015. Collection method: clinical testing. Allele origin: germline.

Color Diagnostics, LLC DBA Color Health
Classification: Likely benign for Hereditary cancer-predisposing syndrome. Last evaluated: 2024-09-19. Review status: criteria provided, single submitter. Criteria: ACMG Guidelines, 2015. Collection method: clinical testing. Allele origin: germline.

Hereditary Cancer Laboratory, Hospital Universitario 12 de Octubre
Classification: Uncertain significance for Hereditary cancer-predisposing syndrome. Last evaluated: 2024-03-13. Review status: criteria provided, single submitter. Criteria: ACMG Guidelines, 2015. Collection method: clinical testing. Allele origin: germline.
Comment: PM2+BP4

GeneDx
Classification: Uncertain significance. Last evaluated: 2022-04-26. Review status: criteria provided, single submitter. Criteria: GeneDx Variant Classification Process June 2021. Collection method: clinical testing. Allele origin: germline. Affected: yes.
Comment: Not observed at significant frequency in large population cohorts (gnomAD); In silico analysis supports that this missense variant does not alter protein structure/function; Observed in individuals with personal and/or family histories of cancer and in unaffected controls (Momozawa 2018, Tsaousis 2019, Germani 2020); This variant is associated with the following publications: (PMID: 27720647, 30995915, 31159747, 32957588, 30287823)

Ambry Genetics
Classification: Likely benign for Hereditary cancer-predisposing syndrome. Last evaluated: 2021-08-04. Review status: criteria provided, single submitter. Criteria: Ambry Variant Classification Scheme 2023. Collection method: clinical testing. Allele origin: germline.

CHEO Genetics Diagnostic Laboratory, Children's Hospital of Eastern Ontario
Classification: Uncertain significance for Breast and/or ovarian cancer. Last evaluated: 2020-05-26. Review status: criteria provided, single submitter. Criteria: ACMG Guidelines, 2015. Collection method: clinical testing. Allele origin: germline.

GeneKor MSA
Classification: Uncertain significance for Hereditary cancer-predisposing syndrome. Last evaluated: 2018-08-01. Review status: criteria provided, single submitter. Criteria: ACMG Guidelines, 2015. Collection method: clinical testing. Allele origin: germline. Affected: yes.

Natera, Inc.
Classification: Uncertain significance for Ataxia-telangiectasia. Last evaluated: 2020-09-16. Review status: no assertion criteria provided. Collection method: clinical testing. Allele origin: germline. Not counted in ClinVar's aggregate classification.

Department of Pathology and Laboratory Medicine, Sinai Health System
Classification: Uncertain significance for Malignant tumor of breast. Review status: no assertion criteria provided. Collection method: clinical testing. Allele origin: unknown. Affected: yes. Study: The Canadian Open Genetics Repository (COGR). Not counted in ClinVar's aggregate classification.
Comment: The ATM p.His1568Arg variant was identified in 1 of 40,106 proband chromosomes (frequency: 0.00003) from individuals with unspecified hereditary cancer and was present in 1 of 24,980 control chromosomes (frequency: 0.00004) from healthy individuals (Momozawa 2018, Mu 2016). The variant was identified in dbSNP (rs368830730) as â€šÃ„Ãºwith uncertain significance alleleâ€šÃ„Ã¹, ClinVar (classified as uncertain significance by GeneDx, Invitae, Ambry Genetics and GeneKor; and as likely benign by Color) and LOVD 3.0 (observed 1x). The variant was identified in control databases in 10 of 245,814 chromosomes at a frequency of 0.00004 (Genome Aggregation Database Feb 27, 2017). The variant was observed in the European population in 10 of 111,368 chromosomes (freq: 0.00009), but not in the African, Other, Latino, Ashkenazi Jewish, East Asian, Finnish, or South Asian populations. The p.His1568 residue is not conserved in mammals and computational analyses (PolyPhen-2, SIFT, AlignGVGD, BLOSUM, MutationTaster) do not suggest a high likelihood of impact to the protein; however, this information is not predictive enough to rule out pathogenicity. The variant occurs outside of the splicing consensus sequence and in silico or computational prediction software programs (SpliceSiteFinder, MaxEntScan, NNSPLICE, GeneSplicer) do not predict a difference in splicing. In summary, based on the above information, the clinical significance of this variant cannot be determined with certainty at this time. This variant is classified as a variant of uncertain significance.

Literature cited by the submitters: PubMed 30995915 (cited by Labcorp Genetics (formerly Invitae), Labcorp); PubMed 31159747 (cited by Labcorp Genetics (formerly Invitae), Labcorp and Ambry Genetics); PubMed 32957588 (cited by Labcorp Genetics (formerly Invitae), Labcorp and Ambry Genetics); PubMed 33471991 (cited by Ambry Genetics).